The following is an entry in ClinVar:

ClinVar aggregate classification (germline): Uncertain significance (1 of 4 stars; one submission).

Allele frequency attached by ClinVar (database versions not stated): ExAC 0.00001.
gnomAD v4.1: 1 of 1,613,622 alleles (0.000062%); highest among the groups gnomAD compares: Non-Finnish European, 0.000085%; no homozygotes.

Submission:

Ambry Genetics
Classification: Uncertain significance. Last evaluated: 2022-09-20. Review status: criteria provided, single submitter. Criteria: Ambry Variant Classification Scheme 2023. Collection method: clinical testing. Allele origin: germline.
Comment: The p.R2466L variant (also known as c.7397G>T), located in coding exon 28 of the POLQ gene, results from a G to T substitution at nucleotide position 7397. The arginine at codon 2466 is replaced by leucine, an amino acid with dissimilar properties. This amino acid position is conserved. In addition, this alteration is predicted to be deleterious by in silico analysis. Since supporting evidence is limited at this time, the clinical significance of this alteration remains unclear.

NM_199420.4(POLQ):c.7397G>T (p.Arg2466Leu)

Gene: POLQ (DNA polymerase theta; minus strand). Cytogenetic location: 3q13.33.
Variant type: single nucleotide variant.
Coding change: c.7397G>T on transcript NM_199420.4 (MANE Select); coding-DNA position 7397, G replaced by T.
Protein change: p.Arg2466Leu; replaces arginine 2466 with leucine.
Molecular consequence: missense variant.
Genome position (GRCh38, 1-based): chr3:121,436,268, C>A on the plus strand (G>T on the coding strand, the complement: POLQ is on the minus strand). VCF-style: chr3-121436268-C-A. GRCh37 (hg19) VCF-style: chr3-121155115-C-A.
Other names: short protein forms R2466L.
Identifiers: ClinVar variation 1758685 (VCV001758685.2), dbSNP rs367989768, ClinGen allele CA2562178.